The following is an entry in ClinVar:

NM_001184880.2(PCDH19):c.2095G>A (p.Val699Met)

Gene: PCDH19 (protocadherin 19; minus strand). Cytogenetic location: Xq22.1.
Variant type: single nucleotide variant.
Coding change: c.2095G>A on transcript NM_001184880.2 (MANE Select); coding-DNA position 2095, G replaced by A.
Protein change: p.Val699Met; replaces valine 699 with methionine.
Molecular consequence: missense variant.
Genome position (GRCh38, 1-based): chrX:100,406,503, C>T on the plus strand (G>A on the coding strand, the complement: PCDH19 is on the minus strand). VCF-style: chrX-100406503-C-T. GRCh37 (hg19) VCF-style: chrX-99661501-C-T.
Other names: c.2095G>A, p.Val699Met (NM_001105243.2, NM_020766.3); short protein forms V699M.
Identifiers: ClinVar variation 4801127 (VCV004801127.1).

ClinVar aggregate classification (germline): Uncertain significance (1 of 4 stars; one submission).

Conditions:
Developmental and epileptic encephalopathy, 9 (DEE9). Also called: Early infantile epileptic encephalopathy 9; EPILEPSY, FEMALE-RESTRICTED, WITH MENTAL RETARDATION; JUBERG-HELLMAN SYNDROME; PCDH19-Related X-Linked Female-Limited Epilepsy with Mental Retardation. Identifiers: Orphanet 101039, Orphanet 2076, MedGen C1848137, MONDO:0010246, OMIM 300088. Disease mechanism: loss of function.

Submission:

Labcorp Genetics (formerly Invitae), Labcorp
Classification: Uncertain significance for Developmental and epileptic encephalopathy, 9. Last evaluated: 2025-02-12. Review status: criteria provided, single submitter. Criteria: Invitae Variant Classification Sherloc (09022015). Collection method: clinical testing. Allele origin: germline.
Comment: This sequence change replaces valine, which is neutral and non-polar, with methionine, which is neutral and non-polar, at codon 699 of the PCDH19 protein (p.Val699Met). This variant is not present in population databases (gnomAD no frequency). This variant has not been reported in the literature in individuals affected with PCDH19-related conditions. Invitae Evidence Modeling of protein sequence and biophysical properties (such as structural, functional, and spatial information, amino acid conservation, physicochemical variation, residue mobility, and thermodynamic stability) has been performed for this missense variant. However, the output from this modeling did not meet the statistical confidence thresholds required to predict the impact of this variant on PCDH19 protein function. In summary, the available evidence is currently insufficient to determine the role of this variant in disease. Therefore, it has been classified as a Variant of Uncertain Significance.